The following is an entry in ClinVar:

NM_001018005.2(TPM1):c.61C>A (p.Arg21=)

Gene: TPM1 (tropomyosin 1; plus strand). Cytogenetic location: 15q22.2.
Variant type: single nucleotide variant.
Coding change: c.61C>A on transcript NM_001018005.2 (MANE Select); coding-DNA position 61, C replaced by A.
Protein change: p.Arg21=; no amino-acid change (arginine 21 retained).
Molecular consequence: synonymous variant.
Genome position (GRCh38, 1-based): chr15:63,042,890, C>A. VCF-style: chr15-63042890-C-A. GRCh37 (hg19) VCF-style: chr15-63335089-C-A.
Other names: p.R21R:CGA>AGA; c.61C>A, p.Arg21= (NM_000366.6, NM_001018004.2, NM_001018006.2 and 7 more transcripts).
Identifiers: ClinVar variation 181656 (VCV000181656.7), dbSNP rs1437698471, ClinGen allele CA019176.
Genomic context (GRCh38, chr15:63,042,890, plus strand): 5'-ATGGACGCCATCAAGAAGAAGATGCAGATGCTGAAGCTCGACAAGGAGAACGCCTTGGAT[C>A]GAGCTGAGCAGGCGGAGGCCGACAAGAAGGCGGCGGAAGACAGGAGCAAGCAGGTCTGCG-3'
Protein context (NP_001018005.1, residues 11-31): LKLDKENALD[Arg21=]AEQAEADKKA

ClinVar aggregate classification (germline): Benign/Likely benign. Review status: criteria provided, multiple submitters, no conflicts (2 of 4 stars). 5 submissions from 5 submitters: Benign (1); Likely benign (4). Last evaluated 2024-06-06.

Conditions:
Cardiovascular phenotype. Identifiers: MedGen CN230736.
Cardiomyopathy (CMYO). Also called: Cardiomyopathies. Identifiers: Orphanet 167848, MedGen C0878544, MONDO:0004994, HP:0001638. Inheritance: Various modes of inheritance.
Hypertrophic cardiomyopathy. Also called: HYPERTROPHIC MYOCARDIOPATHY. Identifiers: Orphanet 217569, MedGen C0007194, MeSH D002312, MONDO:0005045, HP:0001639.

Allele frequency attached by ClinVar (database versions not stated): gnomAD exomes 0.00001; TOPMed 0.00001.
gnomAD v4.1: 5 of 1,613,038 alleles (0.00031%); highest among the groups gnomAD compares: East Asian, 0.0022%; no homozygotes.

Submissions (5):

Ambry Genetics
Classification: Likely benign for Cardiovascular phenotype. Last evaluated: 2024-06-06. Review status: criteria provided, single submitter. Criteria: Ambry Variant Classification Scheme 2023. Collection method: clinical testing. Allele origin: germline.

All of Us Research Program, National Institutes of Health
Classification: Likely benign for Hypertrophic cardiomyopathy. Last evaluated: 2023-11-20. Review status: criteria provided, single submitter. Criteria: ACMG Guidelines, 2015. Collection method: clinical testing. Allele origin: germline. Inheritance: Autosomal dominant inheritance. Observed: 1 variant allele, 1 heterozygote.
Comment: This study involves interpretation of variants in research participants for the purpose of population health screening. Participant phenotype was not available at the time of variant classification. Additional details can be found in publication PMID: 35346344, PMCID: PMC8962531

Color Diagnostics, LLC DBA Color Health
Classification: Likely benign for Cardiomyopathy. Last evaluated: 2023-10-25. Review status: criteria provided, single submitter. Criteria: ACMG Guidelines, 2015. Collection method: clinical testing. Allele origin: germline.

Labcorp Genetics (formerly Invitae), Labcorp
Classification: Likely benign for Hypertrophic cardiomyopathy. Last evaluated: 2022-06-28. Review status: criteria provided, single submitter. Criteria: Invitae Variant Classification Sherloc (09022015). Collection method: clinical testing. Allele origin: germline.

GeneDx
Classification: Benign. Last evaluated: 2014-09-19. Review status: criteria provided, single submitter. Criteria: GeneDx Variant Classification (06012015). Collection method: clinical testing. Allele origin: germline. Affected: yes.
Comment: This variant is considered likely benign or benign based on one or more of the following criteria: it is a conservative change, it occurs at a poorly conserved position in the protein, it is predicted to be benign by multiple in silico algorithms, and/or has population frequency not consistent with disease.